The following is an entry in ClinVar:

ClinVar aggregate classification (germline): Uncertain significance (1 of 4 stars; one submission).

Conditions:
Hereditary breast ovarian cancer syndrome. Also called: Hereditary breast and ovarian cancer; Hereditary breast and ovarian cancer syndrome; Breast and ovarian cancer; BRCA1- and BRCA2-Associated Hereditary Breast and Ovarian Cancer; Hereditary breast and ovarian cancer syndrome (HBOC); Hereditary breast and/or ovarian cancer syndrome. Identifiers: Orphanet 145, MedGen C0677776, MeSH D061325, MONDO:0003582. Disease mechanism: loss of function.

Submission:

Labcorp Genetics (formerly Invitae), Labcorp
Classification: Uncertain significance for Hereditary breast ovarian cancer syndrome. Last evaluated: 2023-08-06. Review status: criteria provided, single submitter. Criteria: Invitae Variant Classification Sherloc (09022015). Collection method: clinical testing. Allele origin: germline.
Comment: This variant is not present in population databases (gnomAD no frequency). This sequence change replaces aspartic acid, which is acidic and polar, with glutamic acid, which is acidic and polar, at codon 185 of the BRCA1 protein (p.Asp185Glu). This variant has not been reported in the literature in individuals affected with BRCA1-related conditions. In summary, the available evidence is currently insufficient to determine the role of this variant in disease. Therefore, it has been classified as a Variant of Uncertain Significance. Advanced modeling of protein sequence and biophysical properties (such as structural, functional, and spatial information, amino acid conservation, physicochemical variation, residue mobility, and thermodynamic stability) has been performed at Invitae for this missense variant, however the output from this modeling did not meet the statistical confidence thresholds required to predict the impact of this variant on BRCA1 protein function.

NM_007294.4(BRCA1):c.555T>A (p.Asp185Glu)

Gene: BRCA1 (BRCA1 DNA repair associated; minus strand). Cytogenetic location: 17q21.31.
Variant type: single nucleotide variant.
Coding change: c.555T>A on transcript NM_007294.4 (MANE Select); coding-DNA position 555, T replaced by A.
Protein change: p.Asp185Glu; replaces aspartic acid 185 with glutamic acid.
Molecular consequence: missense variant. On other transcripts: intron variant (115).
Genome position (GRCh38, 1-based): chr17:43,097,282, A>T on the plus strand (T>A on the coding strand, the complement: BRCA1 is on the minus strand). VCF-style: chr17-43097282-A-T. GRCh37 (hg19) VCF-style: chr17-41249299-A-T.
Other names: c.414T>A, p.Asp138Glu (NM_001407734.1, NM_001407735.1, NM_001407736.1 and 43 more transcripts); c.345T>A, p.Asp115Glu (NM_001407881.1, NM_001407882.1, NM_001407884.1 and 27 more transcripts); c.411T>A, p.Asp137Glu (NM_001407740.1, NM_001407741.1, NM_001407742.1 and 26 more transcripts); c.342T>A, p.Asp114Glu (NM_001407894.1, NM_001407853.1, NM_001407895.1 and 12 more transcripts); c.555T>A, p.Asp185Glu (NM_001407854.1, NM_001407858.1, NM_001407859.1 and 59 more transcripts); c.552T>A, p.Asp184Glu (NM_001407860.1, NM_001407861.1, NM_001407972.1 and 41 more transcripts); c.174T>A, p.Asp58Glu (NM_001407959.1, NM_001407960.1, NM_001407963.1 and 1 more transcripts); c.171T>A, p.Asp57Glu (NM_001407962.1); and 17 more; short protein forms D138E, D182E, D115E, D137E, D184E, D185E, D58E, D114E.
Identifiers: ClinVar variation 2814468 (VCV002814468.3), dbSNP rs2154521624, ClinGen allele CA10601016.